The following is an entry in ClinVar:

NM_000216.4(ANOS1):c.1736A>G (p.Tyr579Cys)

Gene: ANOS1 (anosmin 1; minus strand). Cytogenetic location: Xp22.31.
Variant type: single nucleotide variant.
Coding change: c.1736A>G on transcript NM_000216.4 (MANE Select); coding-DNA position 1736, A replaced by G.
Protein change: p.Tyr579Cys; replaces tyrosine 579 with cysteine.
Molecular consequence: missense variant.
Genome position (GRCh38, 1-based): chrX:8,535,697, T>C on the plus strand (A>G on the coding strand, the complement: ANOS1 is on the minus strand). VCF-style: chrX-8535697-T-C. GRCh37 (hg19) VCF-style: chrX-8503738-T-C.
Other names: short protein forms Y579C.
Identifiers: ClinVar variation 2785854 (VCV002785854.3), dbSNP rs2518467245, ClinGen allele CA411987079.

ClinVar aggregate classification (germline): Uncertain significance (1 of 4 stars; one submission).

Conditions:
Hypogonadotropic hypogonadism 1 with or without anosmia (HH1). Also called: Kallmann syndrome, type 1, X-linked; DYSPLASIA OLFACTOGENITALIS OF DE MORSIER; HYPOGONADOTROPIC HYPOGONADISM 1 WITH ANOSMIA; KAL1-Related GnRH Deficiency (Kallmann Syndrome 1; Kallmann Syndrome, X-Linked); Hypogonadotropic hypogonadism 1 with or without anosmia (Kallmann syndrome 1); HYPOGONADOTROPIC HYPOGONADISM AND ANOSMIA. Identifiers: Orphanet 478, MedGen C1563719, MONDO:0010635, OMIM 308700. Disease mechanism: loss of function.

Allele frequency attached by ClinVar (database versions not stated): gnomAD exomes below 0.00001.
gnomAD v4.1: 4 of 1,210,951 alleles (0.00033%); highest among the groups gnomAD compares: South Asian, 0.0018%; no homozygotes.

Submission:

Labcorp Genetics (formerly Invitae), Labcorp
Classification: Uncertain significance for Hypogonadotropic hypogonadism 1 with or without anosmia. Last evaluated: 2024-01-20. Review status: criteria provided, single submitter. Criteria: Invitae Variant Classification Sherloc (09022015). Collection method: clinical testing. Allele origin: germline.
Comment: This sequence change replaces tyrosine, which is neutral and polar, with cysteine, which is neutral and slightly polar, at codon 579 of the ANOS1 protein (p.Tyr579Cys). This variant is not present in population databases (gnomAD no frequency). This variant has not been reported in the literature in individuals affected with ANOS1-related conditions. Advanced modeling of protein sequence and biophysical properties (such as structural, functional, and spatial information, amino acid conservation, physicochemical variation, residue mobility, and thermodynamic stability) performed at Invitae indicates that this missense variant is not expected to disrupt ANOS1 protein function with a negative predictive value of 80%. In summary, the available evidence is currently insufficient to determine the role of this variant in disease. Therefore, it has been classified as a Variant of Uncertain Significance.